The following is an entry in ClinVar:

ClinVar aggregate classification (germline): Benign/Likely benign. Review status: criteria provided, multiple submitters, no conflicts (2 of 4 stars). 3 submissions from 3 submitters: Benign (2); Likely benign (1). Last evaluated 2026-05-01.

Conditions:
ZMYND11-related disorder. Also called: ZMYND11-related condition.

Allele frequency attached by ClinVar (database versions not stated): 1000 Genomes Project 0.00040; 1000 Genomes Project 30x 0.00047; gnomAD exomes 0.00089 and 0.00145; gnomAD 0.00090 and 0.00095; ESP Exome Variant Server 0.00092; TOPMed 0.00111; ExAC 0.00137.
gnomAD v4.1: 1,517 of 1,611,464 alleles (0.094%); highest among the groups gnomAD compares: Middle Eastern, 0.17%; 5 homozygotes.

Submissions (3):

CeGaT Center for Human Genetics Tuebingen
Classification: Likely benign. Last evaluated: 2026-05-01. Review status: criteria provided, single submitter. Criteria: CeGaT Center For Human Genetics Tuebingen Variant Classification Criteria Version 2. Collection method: clinical testing. Allele origin: germline. Affected: yes. Observed: 5 variant alleles.
Comment: ZMYND11: BP4, BP7, BS1

PreventionGenetics, part of Exact Sciences
Classification: Benign for ZMYND11-related condition. Last evaluated: 2026-03-06. Review status: criteria provided, single submitter. Criteria: ACMG Guidelines, 2015. Collection method: clinical testing. Allele origin: germline.
Comment: This variant is classified as benign based on ACMG/AMP sequence variant interpretation guidelines (Richards et al. 2015 PMID: 25741868, with internal and published modifications).

Labcorp Genetics (formerly Invitae), Labcorp
Classification: Benign. Last evaluated: 2026-01-27. Review status: criteria provided, single submitter. Criteria: Invitae Variant Classification Sherloc (09022015). Collection method: clinical testing. Allele origin: germline.

NM_001370100.5(ZMYND11):c.1800G>A (p.Arg600=)

Gene: ZMYND11 (zinc finger MYND-type containing 11; plus strand). Cytogenetic location: 10p15.3.
Variant type: single nucleotide variant.
Coding change: c.1800G>A on transcript NM_001370100.5 (MANE Select); coding-DNA position 1800, G replaced by A.
Protein change: p.Arg600=; no amino-acid change (arginine 600 retained).
Molecular consequence: synonymous variant. On other transcripts: non-coding transcript variant (1).
Genome position (GRCh38, 1-based): chr10:252,461, G>A. VCF-style: chr10-252461-G-A. GRCh37 (hg19) VCF-style: chr10-298401-G-A.
Other names: c.1638G>A, p.Arg546= (NM_001202464.3, NM_001370103.2, NM_001370104.2 and 5 more transcripts); c.1545G>A, p.Arg515= (NM_001202465.3, NM_001370110.2); c.1635G>A, p.Arg545= (NM_001202466.3, NM_001370111.2); c.1749G>A, p.Arg583= (NM_001330057.3, NM_001370112.2); c.1800G>A, p.Arg600= (NM_001370097.3, NM_001370098.2, NM_001370099.2 and 3 more transcripts); c.1707G>A, p.Arg569= (NM_001370113.2, NM_001370114.2); c.1797G>A, p.Arg599= (NM_001370115.2); c.1734G>A, p.Arg578= (NM_001370116.2); and 8 more.
Identifiers: ClinVar variation 730263 (VCV000730263.39), dbSNP rs140949514, ClinGen allele CA5379330.
Genomic context (GRCh38, chr10:252,461, plus strand): 5'-CTGCTCCATCAAGTGCCAGCAGGAGCACTGGCACGCGGAGCACAAGCGCACCTGCCGCCG[G>A]AAAAGATGAAGCTGGCCCTTCCCGGAGTCACCCCGATGATTACTCTTTTCAGACACAGCG-3'
Protein context (NP_001357029.1, residues 590-602): WHAEHKRTCR[Arg600=]KR